The following is an entry in ClinVar:

ClinVar aggregate classification (germline): Likely benign. Review status: criteria provided, multiple submitters, no conflicts (2 of 4 stars). 2 submissions from 2 submitters: Likely benign (2). Last evaluated 2025-03-01.

Allele frequency attached by ClinVar (database versions not stated): gnomAD exomes below 0.00001; ExAC 0.00001.
gnomAD v4.1: 1 of 1,611,690 alleles (0.000062%); highest among the groups gnomAD compares: South Asian, 0.0011%; no homozygotes.

Submissions (2):

CeGaT Center for Human Genetics Tuebingen
Classification: Likely benign. Last evaluated: 2025-03-01. Review status: criteria provided, single submitter. Criteria: CeGaT Center For Human Genetics Tuebingen Variant Classification Criteria Version 2. Collection method: clinical testing. Allele origin: germline. Affected: yes. Observed: 1 variant allele.
Comment: PNPT1: BP4, BP7

Labcorp Genetics (formerly Invitae), Labcorp
Classification: Likely benign. Last evaluated: 2018-08-28. Review status: criteria provided, single submitter. Criteria: Invitae Variant Classification Sherloc (09022015). Collection method: clinical testing. Allele origin: germline.

NM_033109.5(PNPT1):c.1881C>T (p.Asn627=)

Gene: PNPT1 (polyribonucleotide nucleotidyltransferase 1; minus strand). Cytogenetic location: 2p16.1.
Variant type: single nucleotide variant.
Coding change: c.1881C>T on transcript NM_033109.5 (MANE Select); coding-DNA position 1881, C replaced by T.
Protein change: p.Asn627=; no amino-acid change (asparagine 627 retained).
Molecular consequence: synonymous variant.
Genome position (GRCh38, 1-based): chr2:55,644,662, G>A on the plus strand (C>T on the coding strand, the complement: PNPT1 is on the minus strand). VCF-style: chr2-55644662-G-A. GRCh37 (hg19) VCF-style: chr2-55871797-G-A.
Identifiers: ClinVar variation 764729 (VCV000764729.10), dbSNP rs762292482, ClinGen allele CA1667905.